The following is an entry in ClinVar:

ClinVar aggregate classification (germline): Pathogenic. Review status: reviewed by expert panel (3 of 4 stars). 15 submissions from 15 submitters: Pathogenic (1). 14 of the submissions do not count toward it. Last evaluated 2016-09-08.

Conditions:
BRCA2-related disorder. Also called: BRCA2-related condition; BRCA2-related disorders. Identifiers: MedGen CN239275.
Hereditary cancer-predisposing syndrome. Also called: Hereditary neoplastic syndrome; Tumor predisposition; Hereditary Cancer Syndrome; Neoplastic Syndromes, Hereditary. Identifiers: Orphanet 140162, MedGen C0027672, MeSH D009386, MONDO:0015356.
Hereditary breast ovarian cancer syndrome. Also called: Breast and ovarian cancer; Hereditary breast and/or ovarian cancer syndrome; BRCA1- and BRCA2-Associated Hereditary Breast and Ovarian Cancer; Hereditary breast and ovarian cancer syndrome; Hereditary breast and ovarian cancer; Hereditary breast and ovarian cancer syndrome (HBOC). Identifiers: Orphanet 145, MedGen C0677776, MeSH D061325, MONDO:0003582. Disease mechanism: loss of function.
Breast-ovarian cancer, familial, susceptibility to, 2 (BROVCA2). Also called: BRCA2 Hereditary Breast and Ovarian Cancer. Identifiers: Orphanet 145, MedGen C2675520, MONDO:0012933, OMIM 612555. Disease mechanism: loss of function.
Familial cancer of breast. Also called: BREAST CANCER, FAMILIAL; Hereditary breast cancer; hereditary breast carcinoma. Identifiers: Orphanet 227535, MedGen C0346153, MONDO:0016419, OMIM 114480. Disease mechanism: loss of function.

Submissions (15):

Evidence-based Network for the Interpretation of Germline Mutant Alleles (ENIGMA)
Classification: Pathogenic for Breast-ovarian cancer, familial, susceptibility to, 2. Last evaluated: 2016-09-08. Review status: reviewed by expert panel. Criteria: ENIGMA BRCA1/2 Classification Criteria (2015). Collection method: curation. Allele origin: germline.
Comment: Variant allele predicted to encode a truncated non-functional protein.

PreventionGenetics, part of Exact Sciences
Classification: Pathogenic for BRCA2-related condition. Last evaluated: 2026-04-09. Review status: criteria provided, single submitter. Criteria: ACMG Guidelines, 2015. Collection method: clinical testing. Allele origin: germline. Not counted in ClinVar's aggregate classification.
Comment: The BRCA2 c.5614A>T variant is predicted to result in premature protein termination (p.Lys1872*). This variant, also described as c.5842A>T, has been reported in multiple individuals with breast cancer and ovarian cancer (Meyer et al. 2003. PubMed ID: 12938098; Ramus et al. 2007. PubMed ID: 17688236; Tea et al. 2013. PubMed ID: 24156927; Susswein et al. 2015. PubMed ID: 26681312; Rebbeck et al. 2018. PubMed ID: 29446198; Lowery et al. 2018. PubMed ID: 29506128; Ravichandran et al. 2019. PubMed ID: 30787465). This variant has not been reported in a large population database (gnomAD), indicating this variant is rare. This variant is interpreted as pathogenic in ClinVar (Variation ID: 37979). Nonsense variants in BRCA2 are expected to be pathogenic. This variant is interpreted as pathogenic.

Labcorp Genetics (formerly Invitae), Labcorp
Classification: Pathogenic for Hereditary breast ovarian cancer syndrome. Last evaluated: 2025-12-02. Review status: criteria provided, single submitter. Criteria: Invitae Variant Classification Sherloc (09022015). Collection method: clinical testing. Allele origin: germline. Not counted in ClinVar's aggregate classification.
Comment: This sequence change creates a premature translational stop signal (p.Lys1872*) in the BRCA2 gene. It is expected to result in an absent or disrupted protein product. Loss-of-function variants in BRCA2 are known to be pathogenic (PMID: 20104584). This variant is not present in population databases (gnomAD no frequency). This premature translational stop signal has been observed in individual(s) with breast cancer and/or ovarian cancer (PMID: 17688236, 24156927). ClinVar contains an entry for this variant (Variation ID: 37979). For these reasons, this variant has been classified as Pathogenic.

Ambry Genetics
Classification: Pathogenic for Hereditary cancer-predisposing syndrome. Last evaluated: 2025-11-25. Review status: criteria provided, single submitter. Criteria: Ambry Variant Classification Scheme 2023. Collection method: clinical testing. Allele origin: germline. Not counted in ClinVar's aggregate classification.
Comment: The p.K1872* pathogenic mutation (also known as c.5614A>T), located in coding exon 10 of the BRCA2 gene, results from an A to T substitution at nucleotide position 5614. This changes the amino acid from a lysine to a stop codon within coding exon 10. This mutation has been identified in multiple hereditary breast and ovarian cancer (HBOC) syndrome families (Tea MK et al. Maturitas 2014 Jan;77:68-72; Meyer P et al. Hum. Mutat. 2003 Sep;22:259; Ramus SJ et al. Hum. Mutat. 2007 Dec;28:1207-15). It was also seen in a patient with pancreatic cancer who had a family history of breast cancer (Lowery MA et al. J. Natl. Cancer Inst. 2018 Oct;110(10):1067-1074). Of note, this alteration is also designated as 5842A>T in published literature. This variant is considered to be rare based on population cohorts in the Genome Aggregation Database (gnomAD). In addition to the clinical data presented in the literature, this alteration is expected to result in loss of function by premature protein truncation or nonsense-mediated mRNA decay. As such, this alteration is interpreted as a disease-causing mutation.

GeneDx
Classification: Pathogenic. Last evaluated: 2025-11-11. Review status: criteria provided, single submitter. Criteria: GeneDx Variant Classification Process June 2021. Collection method: clinical testing. Allele origin: germline. Affected: yes. Not counted in ClinVar's aggregate classification.
Comment: Nonsense variant predicted to result in protein truncation or nonsense mediated decay in a gene for which loss of function is a known mechanism of disease; Reported in individuals with personal or family history of BRCA2-related cancers (PMID: 12938098, 17688236, 24156927, 28259476, 28873162, 29506128); Truncating variants in this gene are considered pathogenic by a well-established clinical consortium and/or database; Not observed at significant frequency in large population cohorts (gnomAD); Also known as 5842A>T; This variant is associated with the following publications: (PMID: 36495689, 38781545, 24156927, 17688236, 26681312, 12938098, 28259476, 28873162, 29506128, 29446198, 25525159, 30787465, 32377563, 20104584)

Mayo Clinic Laboratories, Mayo Clinic
Classification: Pathogenic. Last evaluated: 2025-03-31. Review status: criteria provided, single submitter. Criteria: ACMG Guidelines, 2015. Collection method: clinical testing. Allele origin: germline. Observed: 1 variant allele. Not counted in ClinVar's aggregate classification.
Comment: PM2_supporting, PM5_strong, PVS1

Baylor Genetics
Classification: Pathogenic for Familial cancer of breast. Last evaluated: 2022-07-07. Review status: criteria provided, single submitter. Criteria: ACMG Guidelines, 2015. Collection method: clinical testing. Allele origin: unknown. Not counted in ClinVar's aggregate classification.

Institute of Medical Genetics and Applied Genomics, University Hospital Tübingen
Classification: Pathogenic. Last evaluated: 2020-10-23. Review status: criteria provided, single submitter. Criteria: ACMG Guidelines, 2015. Collection method: clinical testing. Allele origin: germline. Inheritance: Unknown mechanism. Affected: yes. Not counted in ClinVar's aggregate classification.

Quest Diagnostics Nichols Institute San Juan Capistrano
Classification: Pathogenic. Last evaluated: 2020-07-21. Review status: criteria provided, single submitter. Criteria: Quest Diagnostics criteria. Collection method: clinical testing. Allele origin: unknown. Not counted in ClinVar's aggregate classification.
Comment: The variant creates a premature nonsense codon, and is therefore predicted to result in the loss of a functional protein. Found in at least one patient with expected phenotype for this gene, and not found in general population data.

Color Diagnostics, LLC DBA Color Health
Classification: Pathogenic for Hereditary cancer-predisposing syndrome. Last evaluated: 2020-01-15. Review status: criteria provided, single submitter. Criteria: ACMG Guidelines, 2015. Collection method: clinical testing. Allele origin: germline. Not counted in ClinVar's aggregate classification.
Comment: This variant changes 1 nucleotide in exon 11 of the BRCA2 gene, creating a premature translation stop signal. This variant is expected to result in an absent or non-functional protein product. This variant has not been identified in the general population by the Genome Aggregation Database (gnomAD). Loss of BRCA2 function is a known mechanism of disease. Based on the available evidence, this variant is classified as Pathogenic.

Laboratory for Molecular Medicine, Mass General Brigham Personalized Medicine
Classification: Pathogenic for Hereditary breast ovarian cancer syndrome. Last evaluated: 2016-10-20. Review status: criteria provided, single submitter. Criteria: LMM Criteria. Collection method: clinical testing. Allele origin: germline. Inheritance: Autosomal dominant inheritance. Observed: 1 variant allele. Not counted in ClinVar's aggregate classification.
Comment: The p.Lys1872X variant in BRCA2 has been previously reported in at least 3 indiv iduals with BRCA2-associated cancers (Meyer 2003, Ramus 2007, Tea 2014) and segr egated with ovarian cancer in 1 affected relative (Ramus 2007). It was absent fr om large population studies. This nonsense variant leads to a premature terminat ion codon at position 1872, which is predicted to lead to a truncated or absent protein. Heterozygous loss of function of the BRCA2 gene is an established disea se mechanism in hereditary breast and ovarian cancer (HBOC). In summary, this va riant meets our criteria to be classified as pathogenic for HBOC in an autosomal dominant manner.

Consortium of Investigators of Modifiers of BRCA1/2 (CIMBA), c/o University of Cambridge
Classification: Pathogenic for Breast-ovarian cancer, familial, susceptibility to, 2. Last evaluated: 2015-10-02. Review status: criteria provided, single submitter. Criteria: CIMBA Mutation Classification guidelines May 2016. Collection method: clinical testing. Allele origin: germline. Not counted in ClinVar's aggregate classification.

Counsyl
Classification: Pathogenic for Breast-ovarian cancer, familial, susceptibility to, 2. Last evaluated: 2017-02-01. Review status: no assertion criteria provided. Collection method: clinical testing. Allele origin: unknown. Not counted in ClinVar's aggregate classification.

Research Molecular Genetics Laboratory, Women's College Hospital, University of Toronto
Classification: Pathogenic for Hereditary breast ovarian cancer syndrome. Last evaluated: 2014-01-31. Review status: no assertion criteria provided. Collection method: research. Allele origin: germline. Affected: yes. Study: The Canadian Open Genetics Repository (COGR). Not counted in ClinVar's aggregate classification.

Breast Cancer Information Core (BIC) (BRCA2)
Classification: Pathogenic for Breast-ovarian cancer, familial 2. Last evaluated: 2004-02-20. Review status: no assertion criteria provided. Collection method: clinical testing. Allele origin: germline. Affected: yes. Observed: 1 variant allele. Not counted in ClinVar's aggregate classification.

Literature cited by the submitters: PubMed 20104584 (cited by Labcorp Genetics (formerly Invitae), Labcorp); PubMed 17688236 (cited by 5 submitters); PubMed 24156927 (cited by 5 submitters); PubMed 12938098 (cited by 4 submitters); PubMed 26681312 (cited by 4 submitters); PubMed 29506128 (cited by 3 submitters); PubMed 25525159 (cited by Mayo Clinic Laboratories, Mayo Clinic and Laboratory for Molecular Medicine, Mass General Brigham Personalized Medicine); PubMed 28873162 (cited by Mayo Clinic Laboratories, Mayo Clinic); PubMed 29446198 (cited by Mayo Clinic Laboratories, Mayo Clinic and Quest Diagnostics Nichols Institute San Juan Capistrano); PubMed 36495689 (cited by Mayo Clinic Laboratories, Mayo Clinic).

NM_000059.4(BRCA2):c.5614A>T (p.Lys1872Ter)

Gene: BRCA2 (BRCA2 DNA repair associated; plus strand). Cytogenetic location: 13q13.1.
Variant type: single nucleotide variant.
Coding change: c.5614A>T on transcript NM_000059.4 (MANE Select); coding-DNA position 5614, A replaced by T.
Protein change: p.Lys1872Ter; replaces lysine 1872 with a stop codon.
Molecular consequence: nonsense.
Genome position (GRCh38, 1-based): chr13:32,339,969, A>T. VCF-style: chr13-32339969-A-T. GRCh37 (hg19) VCF-style: chr13-32914106-A-T.
Other names: p.K1872X:AAA>TAA; p.Lys1872*; short protein forms K1872*.
Identifiers: ClinVar variation 37979 (VCV000037979.38), dbSNP rs80358783, ClinGen allele CA022708.